The following is an entry in ClinVar:

ClinVar aggregate classification (germline): Uncertain significance (1 of 4 stars; one submission).

Conditions:
Leber congenital amaurosis 2 (LCA2). Also called: Autosomal Recessive RPE65-Related Retinal Degeneration; AMAUROSIS CONGENITA OF LEBER II. Identifiers: Orphanet 65, MedGen C1859844, MONDO:0008765, OMIM 204100. Disease mechanism: loss of function.
Retinitis pigmentosa 20 (RP20). Identifiers: Orphanet 791, MedGen C3151086, MONDO:0013425, OMIM 613794.

Allele frequency attached by ClinVar (database versions not stated): gnomAD 0.00001; gnomAD exomes 0.00004; TOPMed 0.00005; ExAC 0.00006.

Submission:

Labcorp Genetics (formerly Invitae), Labcorp
Classification: Uncertain significance for Leber congenital amaurosis 2; Retinitis pigmentosa 20. Last evaluated: 2022-09-22. Review status: criteria provided, single submitter. Criteria: Invitae Variant Classification Sherloc (09022015). Collection method: clinical testing. Allele origin: germline.
Comment: This sequence change replaces glutamine, which is neutral and polar, with lysine, which is basic and polar, at codon 213 of the RPE65 protein (p.Gln213Lys). This variant is present in population databases (rs777966849, gnomAD 0.007%). This variant has not been reported in the literature in individuals affected with RPE65-related conditions. ClinVar contains an entry for this variant (Variation ID: 1346310). Algorithms developed to predict the effect of missense changes on protein structure and function output the following: SIFT: "Tolerated"; PolyPhen-2: "Benign"; Align-GVGD: "Class C0". The lysine amino acid residue is found in multiple mammalian species, which suggests that this missense change does not adversely affect protein function. In summary, the available evidence is currently insufficient to determine the role of this variant in disease. Therefore, it has been classified as a Variant of Uncertain Significance.

NM_000329.3(RPE65):c.637C>A (p.Gln213Lys)

Gene: RPE65 (retinoid isomerohydrolase RPE65; minus strand). Cytogenetic location: 1p31.3.
Variant type: single nucleotide variant.
Coding change: c.637C>A on transcript NM_000329.3 (MANE Select); coding-DNA position 637, C replaced by A.
Protein change: p.Gln213Lys; replaces glutamine 213 with lysine.
Molecular consequence: missense variant.
Genome position (GRCh38, 1-based): chr1:68,440,859, G>T on the plus strand (C>A on the coding strand, the complement: RPE65 is on the minus strand). VCF-style: chr1-68440859-G-T. GRCh37 (hg19) VCF-style: chr1-68906542-G-T.
Other names: short protein forms Q213K.
Identifiers: ClinVar variation 1346310 (VCV001346310.5), dbSNP rs777966849, ClinGen allele CA902451.